The following is an entry in ClinVar:

ClinVar aggregate classification (germline): Uncertain significance. Review status: criteria provided, multiple submitters, no conflicts (2 of 4 stars). 2 submissions from 2 submitters: Uncertain significance (2). Last evaluated 2025-02-04.

Conditions:
Hereditary cancer-predisposing syndrome. Also called: Neoplastic Syndromes, Hereditary; Tumor predisposition; Hereditary Cancer Syndrome; Hereditary neoplastic syndrome. Identifiers: Orphanet 140162, MedGen C0027672, MeSH D009386, MONDO:0015356.

Submissions (2):

Labcorp Genetics (formerly Invitae), Labcorp
Classification: Uncertain significance. Last evaluated: 2025-02-04. Review status: criteria provided, single submitter. Criteria: Invitae Variant Classification Sherloc (09022015). Collection method: clinical testing. Allele origin: germline.
Comment: This sequence change replaces isoleucine, which is neutral and non-polar, with threonine, which is neutral and polar, at codon 287 of the FH protein (p.Ile287Thr). This variant is not present in population databases (gnomAD no frequency). This variant has not been reported in the literature in individuals affected with FH-related conditions. ClinVar contains an entry for this variant (Variation ID: 2918749). Invitae Evidence Modeling of protein sequence and biophysical properties (such as structural, functional, and spatial information, amino acid conservation, physicochemical variation, residue mobility, and thermodynamic stability) has been performed for this missense variant. However, the output from this modeling did not meet the statistical confidence thresholds required to predict the impact of this variant on FH protein function. In summary, the available evidence is currently insufficient to determine the role of this variant in disease. Therefore, it has been classified as a Variant of Uncertain Significance.

Ambry Genetics
Classification: Uncertain significance for Hereditary cancer-predisposing syndrome. Last evaluated: 2024-02-01. Review status: criteria provided, single submitter. Criteria: Ambry Variant Classification Scheme 2023. Collection method: clinical testing. Allele origin: germline.
Comment: The p.I287T variant (also known as c.860T>C), located in coding exon 6 of the FH gene, results from a T to C substitution at nucleotide position 860. The isoleucine at codon 287 is replaced by threonine, an amino acid with similar properties. This amino acid position is well conserved in available vertebrate species. In addition, this alteration is predicted to be deleterious by in silico analysis. Based on the available evidence, the clinical significance of this alteration remains unclear.

NM_000143.4(FH):c.860T>C (p.Ile287Thr)

Gene: FH (fumarate hydratase; minus strand). Cytogenetic location: 1q43.
Variant type: single nucleotide variant.
Coding change: c.860T>C on transcript NM_000143.4 (MANE Select); coding-DNA position 860, T replaced by C.
Protein change: p.Ile287Thr; replaces isoleucine 287 with threonine.
Molecular consequence: missense variant.
Genome position (GRCh38, 1-based): chr1:241,506,047, A>G on the plus strand (T>C on the coding strand, the complement: FH is on the minus strand). VCF-style: chr1-241506047-A-G. GRCh37 (hg19) VCF-style: chr1-241669347-A-G.
Other names: short protein forms I287T.
Identifiers: ClinVar variation 2918749 (VCV002918749.4), dbSNP rs2147917558, ClinGen allele CA345438876.